The following is an entry in ClinVar:

NM_001166108.2(PALLD):c.1965-12624G>A

Gene: PALLD (palladin, cytoskeletal associated protein; plus strand). Cytogenetic location: 4q32.3.
Variant type: single nucleotide variant.
Coding change: c.1965-12624G>A on transcript NM_001166108.2 (MANE Select); 12624 bases into the intron before coding-DNA position 1965, G replaced by A.
Molecular consequence: intron variant. On other transcripts: missense variant (1).
Genome position (GRCh38, 1-based): chr4:168,878,298, G>A. VCF-style: chr4-168878298-G-A. GRCh37 (hg19) VCF-style: chr4-169799449-G-A.
Other names: c.407G>A, p.Ser136Asn (NM_001166110.2); c.1965-12624G>A (NM_016081.4); c.819-12624G>A (NM_001166109.2); c.-157-12624G>A (NM_001367570.1, NM_001367568.1, NM_001367567.1 and 1 more transcripts); short protein forms S136N.
Identifiers: ClinVar variation 3885271 (VCV003885271.1).
Genomic context (GRCh38, chr4:168,878,298, plus strand): 5'-CGCTCCCGAGCCCGGGACAGGCGTCCCACTGCTCGTCGCCTGCCACCCGCTTCGGCCACA[G>A]CCAGACGCCCGCGGCCTTCCTCAGCGCTCTGCTGCCCTCGCAGCCGCCGCCGGCGGCCGT-3'

ClinVar aggregate classification (germline): Uncertain significance (1 of 4 stars; one submission).

gnomAD v4.1: 1 of 1,527,182 alleles (0.000065%); highest among the groups gnomAD compares: Non-Finnish European, 0.000087%; no homozygotes.

Submission:

Ambry Genetics
Classification: Uncertain significance. Last evaluated: 2024-12-12. Review status: criteria provided, single submitter. Criteria: Ambry Variant Classification Scheme 2023. Collection method: clinical testing. Allele origin: germline.
Comment: The p.S136N variant (also known as c.407G>A), located in coding exon 1 of the PALLD gene, results from a G to A substitution at nucleotide position 407. The serine at codon 136 is replaced by asparagine, an amino acid with highly similar properties. This amino acid position is conserved. In addition, this alteration is predicted to be tolerated by in silico analysis. Based on the available evidence, the clinical significance of this variant remains unclear.